The following is an entry in ClinVar:

ClinVar aggregate classification (germline): Uncertain significance (1 of 4 stars; one submission).

Allele frequency attached by ClinVar (database versions not stated): gnomAD exomes below 0.00001; ExAC 0.00001; gnomAD 0.00001; TOPMed 0.00001.
gnomAD v4.1: 2 of 1,613,088 alleles (0.00012%); highest among the groups gnomAD compares: Non-Finnish European, 0.00017%; no homozygotes.

Submission:

Labcorp Genetics (formerly Invitae), Labcorp
Classification: Uncertain significance. Last evaluated: 2022-09-01. Review status: criteria provided, single submitter. Criteria: Invitae Variant Classification Sherloc (09022015). Collection method: clinical testing. Allele origin: germline.
Comment: In summary, the available evidence is currently insufficient to determine the role of this variant in disease. Therefore, it has been classified as a Variant of Uncertain Significance. Algorithms developed to predict the effect of missense changes on protein structure and function are either unavailable or do not agree on the potential impact of this missense change (SIFT: "Deleterious"; PolyPhen-2: "Probably Damaging"; Align-GVGD: "Class C0"). ClinVar contains an entry for this variant (Variation ID: 1026409). This variant has not been reported in the literature in individuals affected with SLC25A12-related conditions. This variant is present in population databases (rs772825491, gnomAD 0.0009%). This sequence change replaces glycine, which is neutral and non-polar, with glutamic acid, which is acidic and polar, at codon 610 of the SLC25A12 protein (p.Gly610Glu).

NM_003705.5(SLC25A12):c.1829G>A (p.Gly610Glu)

Gene: SLC25A12 (solute carrier family 25 member 12; minus strand). Cytogenetic location: 2q31.1.
Variant type: single nucleotide variant.
Coding change: c.1829G>A on transcript NM_003705.5 (MANE Select); coding-DNA position 1829, G replaced by A.
Protein change: p.Gly610Glu; replaces glycine 610 with glutamic acid.
Molecular consequence: missense variant. On other transcripts: non-coding transcript variant (1).
Genome position (GRCh38, 1-based): chr2:171,787,577, C>T on the plus strand (G>A on the coding strand, the complement: SLC25A12 is on the minus strand). VCF-style: chr2-171787577-C-T. GRCh37 (hg19) VCF-style: chr2-172644087-C-T.
Other names: short protein forms G610E.
Identifiers: ClinVar variation 1026409 (VCV001026409.6), dbSNP rs772825491, ClinGen allele CA1966027.